The following is an entry in ClinVar:

ClinVar aggregate classification (germline): Likely benign. Review status: criteria provided, multiple submitters, no conflicts (2 of 4 stars). 2 submissions from 2 submitters: Likely benign (2). Last evaluated 2026-02-01.

Allele frequency attached by ClinVar (database versions not stated): TOPMed 0.00003; gnomAD exomes 0.00004 and 0.00009; ExAC 0.00006.
gnomAD v4.1: 18 of 1,211,323 alleles (0.0015%); highest among the groups gnomAD compares: Admixed American, 0.039%; no homozygotes.

Submissions (2):

CeGaT Center for Human Genetics Tuebingen
Classification: Likely benign. Last evaluated: 2026-02-01. Review status: criteria provided, single submitter. Criteria: CeGaT Center For Human Genetics Tuebingen Variant Classification Criteria Version 2. Collection method: clinical testing. Allele origin: germline. Affected: yes. Observed: 1 variant allele.
Comment: SLITRK2: BP4, BS2

Labcorp Genetics (formerly Invitae), Labcorp
Classification: Likely benign. Last evaluated: 2018-05-18. Review status: criteria provided, single submitter. Criteria: Invitae Variant Classification Sherloc (09022015). Collection method: clinical testing. Allele origin: germline.

NM_032539.5(SLITRK2):c.2328T>C (p.Phe776=)

Gene: SLITRK2 (SLIT and NTRK like family member 2; plus strand). Cytogenetic location: Xq27.3.
Variant type: single nucleotide variant.
Coding change: c.2328T>C on transcript NM_032539.5 (MANE Select); coding-DNA position 2328, T replaced by C.
Protein change: p.Phe776=; no amino-acid change (phenylalanine 776 retained).
Molecular consequence: synonymous variant.
Genome position (GRCh38, 1-based): chrX:145,824,753, T>C. VCF-style: chrX-145824753-T-C. GRCh37 (hg19) VCF-style: chrX-144906271-T-C.
Other names: c.2328T>C, p.Phe776= (NM_001144003.3, NM_001144004.3, NM_001144005.3 and 4 more transcripts).
Identifiers: ClinVar variation 751975 (VCV000751975.7), dbSNP rs781998063, ClinGen allele CA10535284.